The following is an entry in ClinVar:

NM_016373.4(WWOX):c.556C>G (p.Leu186Val)

Gene: WWOX (WW domain containing oxidoreductase; plus strand). Cytogenetic location: 16q23.1.
Variant type: single nucleotide variant.
Coding change: c.556C>G on transcript NM_016373.4 (MANE Select); coding-DNA position 556, C replaced by G.
Protein change: p.Leu186Val; replaces leucine 186 with valine.
Molecular consequence: missense variant.
Genome position (GRCh38, 1-based): chr16:78,386,899, C>G. VCF-style: chr16-78386899-C-G. GRCh37 (hg19) VCF-style: chr16-78420796-C-G.
Other names: c.217C>G, p.Leu73Val (NM_001291997.2); short protein forms L73V, L186V.
Identifiers: ClinVar variation 957015 (VCV000957015.5), dbSNP rs772539448, ClinGen allele CA8183333.

ClinVar aggregate classification (germline): Uncertain significance (1 of 4 stars; one submission).

Conditions:
Autosomal recessive spinocerebellar ataxia 12. Also called: SPINOCEREBELLAR ATAXIA WITH MENTAL RETARDATION AND EPILEPSY. Identifiers: Orphanet 284282, MedGen C3280452, MONDO:0013687, OMIM 614322.
Developmental and epileptic encephalopathy, 1 (DEE1). Also called: X-linked infantile spasms; West's syndrome; Tonic spasms with clustering, arrest of psychomotor development and hypsarrhythmia on EEG; X-Linked Infantile Spasm Syndrome; OHTAHARA SYNDROME, X-LINKED; INFANTILE SPASM SYNDROME, X-LINKED 1. Identifiers: MedGen C3463992, MONDO:0010632, OMIM 308350. Disease mechanism: loss of function.

Allele frequency attached by ClinVar (database versions not stated): TOPMed 0.00004; ExAC 0.00006; 1000 Genomes Project 30x 0.00016.
gnomAD v4.1: 33 of 1,614,126 alleles (0.002%); highest among the groups gnomAD compares: East Asian, 0.042%; no homozygotes.

Submission:

Labcorp Genetics (formerly Invitae), Labcorp
Classification: Uncertain significance for Developmental and epileptic encephalopathy, 1; Autosomal recessive spinocerebellar ataxia 12. Last evaluated: 2022-08-10. Review status: criteria provided, single submitter. Criteria: Invitae Variant Classification Sherloc (09022015). Collection method: clinical testing. Allele origin: germline.
Comment: This sequence change replaces leucine, which is neutral and non-polar, with valine, which is neutral and non-polar, at codon 186 of the WWOX protein (p.Leu186Val). This variant is present in population databases (rs772539448, gnomAD 0.08%). This variant has not been reported in the literature in individuals affected with WWOX-related conditions. ClinVar contains an entry for this variant (Variation ID: 957015). Algorithms developed to predict the effect of missense changes on protein structure and function output the following: SIFT: "Not Available"; PolyPhen-2: "Benign"; Align-GVGD: "Not Available". The valine amino acid residue is found in multiple mammalian species, which suggests that this missense change does not adversely affect protein function. In summary, the available evidence is currently insufficient to determine the role of this variant in disease. Therefore, it has been classified as a Variant of Uncertain Significance.